The following is an entry in ClinVar:

ClinVar aggregate classification (germline): Pathogenic. Review status: criteria provided, multiple submitters, no conflicts (2 of 4 stars). 2 submissions from 2 submitters: Pathogenic (2). Last evaluated 2023-12-08.

Conditions:
Hereditary cancer-predisposing syndrome. Also called: Hereditary neoplastic syndrome; Tumor predisposition; Hereditary Cancer Syndrome; Neoplastic Syndromes, Hereditary. Identifiers: Orphanet 140162, MedGen C0027672, MeSH D009386, MONDO:0015356.

gnomAD v4.1: 4 of 1,609,496 alleles (0.00025%); highest among the groups gnomAD compares: Non-Finnish European, 0.00034%; no homozygotes.

Submissions (2):

Ambry Genetics
Classification: Pathogenic for Hereditary cancer-predisposing syndrome. Last evaluated: 2023-12-08. Review status: criteria provided, single submitter. Criteria: Ambry Variant Classification Scheme 2023. Collection method: clinical testing. Allele origin: germline.
Comment: The p.Q350* variant (also known as c.1048C>T), located in coding exon 7 of the RAD50 gene, results from a C to T substitution at nucleotide position 1048. This changes the amino acid from a glutamine to a stop codon within coding exon 7. This variant is considered to be rare based on population cohorts in the Genome Aggregation Database (gnomAD). In addition to the clinical data presented in the literature, this alteration is expected to result in loss of function by premature protein truncation or nonsense-mediated mRNA decay. As such, this alteration is interpreted as a disease-causing mutation.

Labcorp Genetics (formerly Invitae), Labcorp
Classification: Pathogenic for Hereditary cancer-predisposing syndrome. Last evaluated: 2021-10-09. Review status: criteria provided, single submitter. Criteria: Invitae Variant Classification Sherloc (09022015). Collection method: clinical testing. Allele origin: germline.
Comment: This variant is not present in population databases (ExAC no frequency). This premature translational stop signal has been observed in individual(s) with breast cancer (PMID: 16385572). ClinVar contains an entry for this variant (Variation ID: 1068476). For these reasons, this variant has been classified as Pathogenic. This sequence change creates a premature translational stop signal (p.Gln350*) in the RAD50 gene. It is expected to result in an absent or disrupted protein product. Loss-of-function variants in RAD50 are known to be pathogenic (PMID: 19409520).

Literature cited by the submitters: PubMed 16385572 (cited by Ambry Genetics and Labcorp Genetics (formerly Invitae), Labcorp); PubMed 19409520 (cited by Labcorp Genetics (formerly Invitae), Labcorp).

NM_005732.4(RAD50):c.1048C>T (p.Gln350Ter)

Gene: RAD50 (RAD50 double strand break repair protein; plus strand). Cytogenetic location: 5q31.1.
Variant type: single nucleotide variant.
Coding change: c.1048C>T on transcript NM_005732.4 (MANE Select); coding-DNA position 1048, C replaced by T.
Protein change: p.Gln350Ter; replaces glutamine 350 with a stop codon.
Molecular consequence: nonsense.
Genome position (GRCh38, 1-based): chr5:132,588,086, C>T. VCF-style: chr5-132588086-C-T. GRCh37 (hg19) VCF-style: chr5-131923778-C-T.
Other names: short protein forms Q350*.
Identifiers: ClinVar variation 1068476 (VCV001068476.9), dbSNP rs2149840715, ClinGen allele CA360941738.